The following is an entry in ClinVar:

ClinVar aggregate classification (germline): Uncertain significance (1 of 4 stars; one submission).

Conditions:
Norman-Roberts syndrome (LIS2). Also called: Lissencephaly 2 (Norman-Roberts type). Identifiers: Orphanet 89844, MedGen C0796089, MONDO:0009760, OMIM 257320.
Familial temporal lobe epilepsy 7. Identifiers: Orphanet 101046, MedGen C4225327, MONDO:0014639, OMIM 616436.

Allele frequency attached by ClinVar (database versions not stated): gnomAD exomes below 0.00001; TOPMed below 0.00001.
gnomAD v4.1: 2 of 1,613,698 alleles (0.00012%); highest among the groups gnomAD compares: African/African-American, 0.0013%; no homozygotes.

Submission:

Labcorp Genetics (formerly Invitae), Labcorp
Classification: Uncertain significance for Familial temporal lobe epilepsy 7; Norman-Roberts syndrome. Last evaluated: 2022-06-04. Review status: criteria provided, single submitter. Criteria: Invitae Variant Classification Sherloc (09022015). Collection method: clinical testing. Allele origin: germline.
Comment: In summary, the available evidence is currently insufficient to determine the role of this variant in disease. Therefore, it has been classified as a Variant of Uncertain Significance. Algorithms developed to predict the effect of missense changes on protein structure and function are either unavailable or do not agree on the potential impact of this missense change (SIFT: "Deleterious"; PolyPhen-2: "Benign"; Align-GVGD: "Class C0"). This variant has not been reported in the literature in individuals affected with RELN-related conditions. This variant is not present in population databases (gnomAD no frequency). This sequence change replaces aspartic acid, which is acidic and polar, with glycine, which is neutral and non-polar, at codon 1051 of the RELN protein (p.Asp1051Gly).

NM_005045.4(RELN):c.3152A>G (p.Asp1051Gly)

Gene: RELN (reelin; minus strand). Cytogenetic location: 7q22.1.
Variant type: single nucleotide variant.
Coding change: c.3152A>G on transcript NM_005045.4 (MANE Select); coding-DNA position 3152, A replaced by G.
Protein change: p.Asp1051Gly; replaces aspartic acid 1051 with glycine.
Molecular consequence: missense variant.
Genome position (GRCh38, 1-based): chr7:103,603,485, T>C on the plus strand (A>G on the coding strand, the complement: RELN is on the minus strand). VCF-style: chr7-103603485-T-C. GRCh37 (hg19) VCF-style: chr7-103243932-T-C.
Other names: c.3152A>G, p.Asp1051Gly (NM_173054.3); short protein forms D1051G.
Identifiers: ClinVar variation 2063251 (VCV002063251.4), dbSNP rs1831729159, ClinGen allele CA368763511.